The following is an entry in ClinVar:

NM_000257.4(MYH7):c.1090T>C (p.Phe364Leu)

Gene: MYH7 (myosin heavy chain 7; minus strand). Cytogenetic location: 14q11.2.
Variant type: single nucleotide variant.
Coding change: c.1090T>C on transcript NM_000257.4 (MANE Select); coding-DNA position 1090, T replaced by C.
Protein change: p.Phe364Leu; replaces phenylalanine 364 with leucine.
Molecular consequence: missense variant.
Genome position (GRCh38, 1-based): chr14:23,429,823, A>G on the plus strand (T>C on the coding strand, the complement: MYH7 is on the minus strand). VCF-style: chr14-23429823-A-G. GRCh37 (hg19) VCF-style: chr14-23899032-A-G.
Other names: c.1090T>C (NM_000257.2); short protein forms F364L.
Identifiers: ClinVar variation 1437798 (VCV001437798.9), dbSNP rs1793561613, ClinGen allele CA389051377.

ClinVar aggregate classification (germline): Conflicting classifications of pathogenicity. Review status: criteria provided, conflicting classifications (1 of 4 stars). 2 submissions from 2 submitters: Likely pathogenic (1); Uncertain significance (1). Last evaluated 2025-08-12.

Conditions:
Hypertrophic cardiomyopathy. Also called: HYPERTROPHIC MYOCARDIOPATHY. Identifiers: Orphanet 217569, MedGen C0007194, MeSH D002312, MONDO:0005045, HP:0001639.

Submissions (2):

GeneDx
Classification: Likely pathogenic. Last evaluated: 2025-08-12. Review status: criteria provided, single submitter. Criteria: GeneDx Variant Classification Process June 2021. Collection method: clinical testing. Allele origin: germline. Affected: yes.
Comment: Not observed at significant frequency in large population cohorts (gnomAD); In silico analysis supports that this missense variant has a deleterious effect on protein structure/function; This variant is associated with the following publications: (PMID: 27532257, 29300372, 38540440)

Labcorp Genetics (formerly Invitae), Labcorp
Classification: Uncertain significance for Hypertrophic cardiomyopathy. Last evaluated: 2024-08-14. Review status: criteria provided, single submitter. Criteria: Invitae Variant Classification Sherloc (09022015). Collection method: clinical testing. Allele origin: germline.
Comment: This sequence change replaces phenylalanine, which is neutral and non-polar, with leucine, which is neutral and non-polar, at codon 364 of the MYH7 protein (p.Phe364Leu). This variant is not present in population databases (gnomAD no frequency). This variant has not been reported in the literature in individuals affected with MYH7-related conditions. ClinVar contains an entry for this variant (Variation ID: 1437798). Invitae Evidence Modeling of protein sequence and biophysical properties (such as structural, functional, and spatial information, amino acid conservation, physicochemical variation, residue mobility, and thermodynamic stability) indicates that this missense variant is expected to disrupt MYH7 protein function with a positive predictive value of 95%. In summary, the available evidence is currently insufficient to determine the role of this variant in disease. Therefore, it has been classified as a Variant of Uncertain Significance.